The following is an entry in ClinVar:

NM_138425.4(C12orf57):c.23C>T (p.Pro8Leu)

Gene: C12orf57 (chromosome 12 open reading frame 57; plus strand). Cytogenetic location: 12p13.31.
Variant type: single nucleotide variant.
Coding change: c.23C>T on transcript NM_138425.4 (MANE Select); coding-DNA position 23, C replaced by T.
Protein change: p.Pro8Leu; replaces proline 8 with leucine.
Molecular consequence: missense variant. On other transcripts: 5 prime UTR variant (1), non-coding transcript variant (1), intron variant (1).
Genome position (GRCh38, 1-based): chr12:6,944,144, C>T. VCF-style: chr12-6944144-C-T. GRCh37 (hg19) VCF-style: chr12-7053307-C-T.
Other names: c.23C>T, p.Pro8Leu (NM_001301834.1, NM_001301837.2); c.-179C>T (NM_001301838.2); c.14-332C>T (NM_001301836.2); c.23C>T (NM_138425.2, NM_138425.3); short protein forms P8L.
Identifiers: ClinVar variation 1047591 (VCV001047591.8), dbSNP rs372253812, ClinGen allele CA6421177.

ClinVar aggregate classification (germline): Uncertain significance. Review status: criteria provided, multiple submitters, no conflicts (2 of 4 stars). 3 submissions from 3 submitters: Uncertain significance (2). 1 of the submissions does not count toward it. Last evaluated 2025-04-07.

Conditions:
C12orf57-related disorder. Also called: C12orf57-related condition.
Temtamy syndrome (TEMTYS). Also called: MENTAL RETARDATION WITH OR WITHOUT CRANIOFACIAL DYSMORPHISM, OCULAR COLOBOMA, OR ABNORMAL CORPUS CALLOSUM. Identifiers: Orphanet 1777, MedGen C1857512, MONDO:0009033, OMIM 218340.

Allele frequency attached by ClinVar (database versions not stated): ExAC 0.00002; gnomAD exomes 0.00002; gnomAD 0.00007 and 0.00008; TOPMed 0.00007; ESP Exome Variant Server 0.00008.
gnomAD v4.1: 28 of 1,614,116 alleles (0.0017%); highest among the groups gnomAD compares: African/African-American, 0.024%; 1 homozygote.

Submissions (3):

Labcorp Genetics (formerly Invitae), Labcorp
Classification: Uncertain significance for Temtamy syndrome. Last evaluated: 2025-04-07. Review status: criteria provided, single submitter. Criteria: Invitae Variant Classification Sherloc (09022015). Collection method: clinical testing. Allele origin: germline.
Comment: This sequence change replaces proline, which is neutral and non-polar, with leucine, which is neutral and non-polar, at codon 8 of the C12orf57 protein (p.Pro8Leu). This variant is present in population databases (rs372253812, gnomAD 0.03%). This variant has not been reported in the literature in individuals affected with C12orf57-related conditions. ClinVar contains an entry for this variant (Variation ID: 1047591). An algorithm developed to predict the effect of missense changes on protein structure and function (PolyPhen-2) suggests that this variant is likely to be disruptive. In summary, the available evidence is currently insufficient to determine the role of this variant in disease. Therefore, it has been classified as a Variant of Uncertain Significance.

GeneDx
Classification: Uncertain significance. Last evaluated: 2023-07-26. Review status: criteria provided, single submitter. Criteria: GeneDx Variant Classification Process June 2021. Collection method: clinical testing. Allele origin: germline. Affected: yes.
Comment: In silico analysis supports that this missense variant does not alter protein structure/function; Has not been previously published as pathogenic or benign to our knowledge

PreventionGenetics, part of Exact Sciences
Classification: Uncertain significance for C12orf57-related condition. Last evaluated: 2024-04-04. Review status: no assertion criteria provided. Collection method: clinical testing. Allele origin: germline. Not counted in ClinVar's aggregate classification.
Comment: The C12orf57 c.23C>T variant is predicted to result in the amino acid substitution p.Pro8Leu. To our knowledge, this variant has not been reported in the literature. This variant is reported in 0.032% of alleles in individuals of African descent in gnomAD. At this time, the clinical significance of this variant is uncertain due to the absence of conclusive functional and genetic evidence.